The following is an entry in ClinVar:

NM_020774.4(MIB1):c.2445C>G (p.Thr815=)

Gene: MIB1 (MIB E3 ubiquitin protein ligase 1; plus strand). Cytogenetic location: 18q11.2.
Variant type: single nucleotide variant.
Coding change: c.2445C>G on transcript NM_020774.4 (MANE Select); coding-DNA position 2445, C replaced by G.
Protein change: p.Thr815=; no amino-acid change (threonine 815 retained).
Molecular consequence: synonymous variant.
Genome position (GRCh38, 1-based): chr18:21,849,247, C>G. VCF-style: chr18-21849247-C-G. GRCh37 (hg19) VCF-style: chr18-19429208-C-G.
Identifiers: ClinVar variation 386376 (VCV000386376.11), dbSNP rs150116970, ClinGen allele CA8908617.
Genomic context (GRCh38, chr18:21,849,247, plus strand): 5'-TTTTATTAGTGGTCAAGTGGGTTCTCGGAGTCCTTCTATGATTAGTAATGATTCTGAAAC[C>G]TTAGAAGAGTGTATGGTGTGCTCAGATATGAAGAGAGATACTCTTTTTGGTCCATGTGGA-3'
Protein context (NP_065825.1, residues 805-825): SPSMISNDSE[Thr815=]LEECMVCSDM

ClinVar aggregate classification (germline): Likely benign. Review status: criteria provided, multiple submitters, no conflicts (2 of 4 stars). 6 submissions from 6 submitters: Likely benign (3). 3 of the submissions do not count toward it. Last evaluated 2022-04-04.

Conditions:
Inborn genetic diseases. Identifiers: MedGen C0950123, MeSH D030342.

Allele frequency attached by ClinVar (database versions not stated): gnomAD exomes 0.00004 and 0.00008; ExAC 0.00012; gnomAD 0.00026; TOPMed 0.00036; ESP Exome Variant Server 0.00077.
gnomAD v4.1: 99 of 1,608,690 alleles (0.0062%); highest among the groups gnomAD compares: African/African-American, 0.12%; no homozygotes.

Submissions (6):

Ambry Genetics
Classification: Likely benign for Inborn genetic diseases. Last evaluated: 2022-04-04. Review status: criteria provided, single submitter. Criteria: Ambry Variant Classification Scheme 2023. Collection method: clinical testing. Allele origin: germline.

Labcorp Genetics (formerly Invitae), Labcorp
Classification: Likely benign. Last evaluated: 2018-06-14. Review status: criteria provided, single submitter. Criteria: Invitae Variant Classification Sherloc (09022015). Collection method: clinical testing. Allele origin: germline.

GeneDx
Classification: Likely benign. Last evaluated: 2018-03-12. Review status: criteria provided, single submitter. Criteria: GeneDx Variant Classification (06012015). Collection method: clinical testing. Allele origin: germline. Affected: yes.
Comment: This variant is considered likely benign or benign based on one or more of the following criteria: it is a conservative change, it occurs at a poorly conserved position in the protein, it is predicted to be benign by multiple in silico algorithms, and/or has population frequency not consistent with disease.

Clinical Genetics DNA and cytogenetics Diagnostics Lab, Erasmus MC, Erasmus Medical Center
Classification: Likely benign. Review status: no assertion criteria provided. Collection method: clinical testing. Allele origin: germline. Affected: yes. Study: VKGL Data-share Consensus. Not counted in ClinVar's aggregate classification.

Clinical Genetics, Academic Medical Center
Classification: Benign. Review status: no assertion criteria provided. Collection method: clinical testing. Allele origin: germline. Affected: yes. Study: VKGL Data-share Consensus. Not counted in ClinVar's aggregate classification.

Joint Genome Diagnostic Labs from Nijmegen and Maastricht, Radboudumc and MUMC+
Classification: Likely benign. Review status: no assertion criteria provided. Collection method: clinical testing. Allele origin: germline. Affected: yes. Study: VKGL Data-share Consensus. Not counted in ClinVar's aggregate classification.